The following is an entry in ClinVar:

ClinVar aggregate classification (germline): Uncertain significance. Review status: criteria provided, multiple submitters, no conflicts (2 of 4 stars). 2 submissions from 2 submitters: Uncertain significance (2). Last evaluated 2023-06-16.

Conditions:
Inborn genetic diseases. Identifiers: MedGen C0950123, MeSH D030342.

Allele frequency attached by ClinVar (database versions not stated): gnomAD 0.00001; TOPMed 0.00004.
gnomAD v4.1: 1 of 1,613,978 alleles (0.000062%); highest among the groups gnomAD compares: Admixed American, 0.0017%; no homozygotes.

Submissions (2):

Ambry Genetics
Classification: Uncertain significance for Inborn genetic diseases. Last evaluated: 2023-06-16. Review status: criteria provided, single submitter. Criteria: Ambry Variant Classification Scheme 2023. Collection method: clinical testing. Allele origin: germline.

Labcorp Genetics (formerly Invitae), Labcorp
Classification: Uncertain significance. Last evaluated: 2022-06-27. Review status: criteria provided, single submitter. Criteria: Invitae Variant Classification Sherloc (09022015). Collection method: clinical testing. Allele origin: germline.
Comment: This sequence change replaces isoleucine, which is neutral and non-polar, with methionine, which is neutral and non-polar, at codon 820 of the GRM7 protein (p.Ile820Met). This variant is not present in population databases (gnomAD no frequency). In summary, the available evidence is currently insufficient to determine the role of this variant in disease. Therefore, it has been classified as a Variant of Uncertain Significance. Algorithms developed to predict the effect of missense changes on protein structure and function are either unavailable or do not agree on the potential impact of this missense change (SIFT: "Deleterious"; PolyPhen-2: "Possibly Damaging"; Align-GVGD: "Class C0"). This variant has not been reported in the literature in individuals affected with GRM7-related conditions.

NM_000844.4(GRM7):c.2460A>G (p.Ile820Met)

Gene: GRM7 (glutamate metabotropic receptor 7; plus strand). Cytogenetic location: 3p26.1.
Variant type: single nucleotide variant.
Coding change: c.2460A>G on transcript NM_000844.4 (MANE Select); coding-DNA position 2460, A replaced by G.
Protein change: p.Ile820Met; replaces isoleucine 820 with methionine.
Molecular consequence: missense variant.
Genome position (GRCh38, 1-based): chr3:7,680,057, A>G. VCF-style: chr3-7680057-A-G. GRCh37 (hg19) VCF-style: chr3-7721744-A-G.
Other names: c.2460A>G, p.Ile820Met (NM_181874.3); c.2460A>G (NM_000844.3); short protein forms I820M.
Identifiers: ClinVar variation 1936002 (VCV001936002.7), dbSNP rs1700301206, ClinGen allele CA351801713.